The following is an entry in ClinVar:

ClinVar aggregate classification (germline): Conflicting classifications of pathogenicity. Review status: criteria provided, conflicting classifications (1 of 4 stars). 2 submissions from 2 submitters: Likely pathogenic (1); Uncertain significance (1). Last evaluated 2024-03-23.

Conditions:
Dilated cardiomyopathy 1G (CMD1G). Identifiers: Orphanet 154, MedGen C1858763, MONDO:0011400, OMIM 604145.
Autosomal recessive limb-girdle muscular dystrophy type 2J (LGMDR10). Also called: Limb-girdle muscular dystrophy, type 2J; MUSCULAR DYSTROPHY, LIMB-GIRDLE, AUTOSOMAL RECESSIVE 10. Identifiers: Orphanet 140922, MedGen C1837342, MONDO:0012127, OMIM 608807.

gnomAD v4.1: 3 of 1,613,200 alleles (0.00019%); highest among the groups gnomAD compares: Non-Finnish European, 0.00025%; no homozygotes.

Submissions (2):

GeneDx
Classification: Uncertain significance. Last evaluated: 2024-03-23. Review status: criteria provided, single submitter. Criteria: GeneDx Variant Classification Process June 2021. Collection method: clinical testing. Allele origin: germline. Affected: yes.
Comment: Not observed at significant frequency in large population cohorts (gnomAD); Nonsense variant predicted to result in protein truncation or nonsense mediated decay in a gene or region of a gene for which loss of function is not a well-established mechanism of disease; Has not been previously published as pathogenic or benign to our knowledge

Labcorp Genetics (formerly Invitae), Labcorp
Classification: Likely pathogenic for Dilated cardiomyopathy 1G; Autosomal recessive limb-girdle muscular dystrophy type 2J. Last evaluated: 2024-03-20. Review status: criteria provided, single submitter. Criteria: Invitae Variant Classification Sherloc (09022015). Collection method: clinical testing. Allele origin: germline.
Comment: This sequence change creates a premature translational stop signal (p.Arg8305*) in the TTN gene. While this is not anticipated to result in nonsense mediated decay, it is expected to create a truncated TTN protein. This variant is present in population databases (rs760266983, gnomAD 0.01%). This variant has not been reported in the literature in individuals affected with TTN-related conditions. Algorithms developed to predict the effect of sequence changes on RNA splicing suggest that this variant may disrupt the consensus splice site. This variant is located in the I band of TTN (PMID: 25589632). Truncating variants in this region have been reported in individuals affected with autosomal recessive centronuclear myopathy (PMID: 23975875, Invitae internal data). Truncating variants in this region have also been identified in individuals affected with autosomal dominant dilated cardiomyopathy and/or cardio-related conditions (PMID: 27869827, 32964742, Invitae internal data). In summary, the currently available evidence indicates that the variant is pathogenic, but additional data are needed to prove that conclusively. Therefore, this variant has been classified as Likely Pathogenic.

Literature cited by the submitters: PubMed 25589632 (cited by Labcorp Genetics (formerly Invitae), Labcorp); PubMed 23975875 (cited by Labcorp Genetics (formerly Invitae), Labcorp); PubMed 27869827 (cited by Labcorp Genetics (formerly Invitae), Labcorp); PubMed 32964742 (cited by Labcorp Genetics (formerly Invitae), Labcorp).

NM_001267550.2(TTN):c.24913C>T (p.Arg8305Ter)

Gene: TTN (titin; minus strand). Cytogenetic location: 2q31.2.
Variant type: single nucleotide variant.
Coding change: c.24913C>T on transcript NM_001267550.2 (MANE Select); coding-DNA position 24913, C replaced by T.
Protein change: p.Arg8305Ter; replaces arginine 8305 with a stop codon.
Molecular consequence: nonsense. On other transcripts: intron variant (3).
Genome position (GRCh38, 1-based): chr2:178,718,093, G>A on the plus strand (C>T on the coding strand, the complement: TTN is on the minus strand). VCF-style: chr2-178718093-G-A. GRCh37 (hg19) VCF-style: chr2-179582820-G-A.
Other names: c.23962C>T, p.Arg7988Ter (NM_001256850.1); c.21181C>T, p.Arg7061Ter (NM_133378.4); c.13282+19989C>T (NM_003319.4); c.13858+19989C>T (NM_133437.4); c.13657+19989C>T (NM_133432.3); short protein forms R7061*, R7988*, R8305*.
Identifiers: ClinVar variation 3359685 (VCV003359685.3).
Genomic context (GRCh38, chr2:178,718,093, plus strand): 5'-TGTTGATTACTAAGGAAGCAACGTTATTTTTGAATTGCATTTTATATGCAGGAGCTGATC[G>A]TAGCTTTGTGTGTTCTTTATACCAAGAAATTCTAATTTCTGGAGTTCCATCCACTTTACA-3'